The following is an entry in ClinVar:

ClinVar aggregate classification (germline): Uncertain significance (1 of 4 stars; one submission).

Conditions:
SEMA3B-related disorder. Also called: SEMA3B-related condition.

Submission:

PreventionGenetics, part of Exact Sciences
Classification: Uncertain significance for SEMA3B-related condition. Last evaluated: 2025-08-12. Review status: criteria provided, single submitter. Criteria: ACMG Guidelines, 2015. Collection method: clinical testing. Allele origin: germline.
Comment: The SEMA3B c.735_737delCTT variant is predicted to result in an in-frame deletion (p.Phe246del). To our knowledge, this variant has not been reported in the literature. This variant is reported in 0.026% of alleles in individuals of East Asian descent in gnomAD. Although we suspect that this variant may be benign, at this time, the clinical significance of this variant is uncertain due to the absence of conclusive functional and genetic evidence.

NM_001290060.2(SEMA3B):c.729CTT[2] (p.Phe246del)

Genes: SEMA3B (semaphorin 3B; plus strand), LOC129936787 (ATAC-STARR-seq lymphoblastoid active region 19897; plus strand). Cytogenetic location: 3p21.31.
Variant type: Microsatellite.
Coding change: c.729CTT[2] on transcript NM_001290060.2 (MANE Select); two copies in a row of the 3-base unit CTT starting at c.729; the reference has three copies in a row; one copy, 3 bases deleted.
Protein change: p.Phe246del; deletes phenylalanine 246.
Molecular consequence: inframe deletion. On other transcripts: 5 prime UTR variant (1), intron variant (1).
Genome position (GRCh38, 1-based): chr3:50,273,368-50,273,370, CTT deleted; deleting any 3 consecutive bases within chr3:50,273,362-50,273,370 gives the same sequence; the position shown is the placement nearest the transcript's 3' end. VCF-style (leftmost placement, unchanged base first): chr3-50273361-ACTT-A. GRCh37 (hg19) VCF-style: chr3-50310792-ACTT-A.
Other names: c.729CTT[2], p.Phe246del (NM_001005914.3, NM_001290061.1, NM_004636.4); c.-298CTT[2] (NM_001290062.2); c.-220+48CTT[2] (NM_001290063.2); c.735_737delCTT (NM_001290061.1); short protein forms F246del.
Identifiers: ClinVar variation 3352269 (VCV003352269.2).